The following is an entry in ClinVar:

ClinVar aggregate classification (germline): Uncertain significance. Review status: criteria provided, multiple submitters, no conflicts (2 of 4 stars). 3 submissions from 3 submitters: Uncertain significance (2). 1 of the submissions does not count toward it. Last evaluated 2024-06-03.

Conditions:
Nephronophthisis 12 (NPHP12). Identifiers: Orphanet 655, MedGen C3151186, MONDO:0013442, OMIM 613820.
Asphyxiating thoracic dystrophy 4 (SRTD4). Also called: SHORT-RIB THORACIC DYSPLASIA 4 WITH OR WITHOUT POLYDACTYLY; SHORT-RIB THORACIC DYSPLASIA 4. Identifiers: Orphanet 474, MedGen C3151185, MONDO:0013441, OMIM 613819.
TTC21B-related disorder. Also called: TTC21B-related condition; TTC21B-related disorders.
Jeune thoracic dystrophy. Also called: Short-rib thoracic dysplasia; Jeune syndrome; Infantile thoracic dystrophy; Thoracic pelvic phalangeal dystrophy; Jeune's syndrome; Chondroectodermal dysplasia-like syndrome. Identifiers: Orphanet 474, MedGen C0265275, MONDO:0018770.
Nephronophthisis. Also called: Juvenile Nephronophthisis. Identifiers: Orphanet 655, MedGen C0687120, MONDO:0019005, HP:0000090.

Allele frequency attached by ClinVar (database versions not stated): gnomAD exomes 0.00001; TOPMed 0.00002.
gnomAD v4.1: 20 of 1,613,684 alleles (0.0012%); highest among the groups gnomAD compares: East Asian, 0.02%; no homozygotes.

Submissions (3):

Fulgent Genetics
Classification: Uncertain significance for Asphyxiating thoracic dystrophy 4; Nephronophthisis 12. Last evaluated: 2024-06-03. Review status: criteria provided, single submitter. Criteria: ACMG Guidelines, 2015. Collection method: clinical testing. Allele origin: germline.

Labcorp Genetics (formerly Invitae), Labcorp
Classification: Uncertain significance for Jeune thoracic dystrophy; Nephronophthisis. Last evaluated: 2022-05-04. Review status: criteria provided, single submitter. Criteria: Invitae Variant Classification Sherloc (09022015). Collection method: clinical testing. Allele origin: germline.
Comment: This sequence change replaces arginine, which is basic and polar, with glutamine, which is neutral and polar, at codon 1222 of the TTC21B protein (p.Arg1222Gln). This variant is present in population databases (rs3749031, gnomAD 0.003%). This variant has not been reported in the literature in individuals affected with TTC21B-related conditions. Algorithms developed to predict the effect of missense changes on protein structure and function output the following: SIFT: "Tolerated"; PolyPhen-2: "Benign"; Align-GVGD: "Class C0". The glutamine amino acid residue is found in multiple mammalian species, which suggests that this missense change does not adversely affect protein function. In summary, the available evidence is currently insufficient to determine the role of this variant in disease. Therefore, it has been classified as a Variant of Uncertain Significance.

PreventionGenetics, part of Exact Sciences
Classification: Uncertain significance for TTC21B-related condition. Last evaluated: 2024-08-07. Review status: no assertion criteria provided. Collection method: clinical testing. Allele origin: germline. Not counted in ClinVar's aggregate classification.
Comment: The TTC21B c.3665G>A variant is predicted to result in the amino acid substitution p.Arg1222Gln. To our knowledge, this variant has not been reported in the literature. This variant is reported in 0.0033% of alleles in individuals of South Asian descent in gnomAD. At this time, the clinical significance of this variant is uncertain due to the absence of conclusive functional and genetic evidence.

NM_024753.5(TTC21B):c.3665G>A (p.Arg1222Gln)

Gene: TTC21B (tetratricopeptide repeat domain 21B; minus strand). Cytogenetic location: 2q24.3.
Variant type: single nucleotide variant.
Coding change: c.3665G>A on transcript NM_024753.5 (MANE Select); coding-DNA position 3665, G replaced by A.
Protein change: p.Arg1222Gln; replaces arginine 1222 with glutamine.
Molecular consequence: missense variant.
Genome position (GRCh38, 1-based): chr2:165,883,813, C>T on the plus strand (G>A on the coding strand, the complement: TTC21B is on the minus strand). VCF-style: chr2-165883813-C-T. GRCh37 (hg19) VCF-style: chr2-166740323-C-T.
Other names: c.3665G>A (NM_024753.4); short protein forms R1222Q.
Identifiers: ClinVar variation 2179578 (VCV002179578.3), dbSNP rs3749031, ClinGen allele CA59769622.